The following is an entry in ClinVar:

ClinVar aggregate classification (germline): Uncertain significance. Review status: criteria provided, multiple submitters, no conflicts (2 of 4 stars). 2 submissions from 2 submitters: Uncertain significance (2). Last evaluated 2022-11-01.

Conditions:
Nemaline myopathy 2 (NEM2). Also called: Nemaline myopathy 2, autosomal recessive. Identifiers: MedGen C1850569, MONDO:0009725, OMIM 256030.

Allele frequency attached by ClinVar (database versions not stated): gnomAD exomes below 0.00001; TOPMed below 0.00001.

Submissions (2):

Labcorp Genetics (formerly Invitae), Labcorp
Classification: Uncertain significance for Nemaline myopathy 2. Last evaluated: 2022-11-01. Review status: criteria provided, single submitter. Criteria: Invitae Variant Classification Sherloc (09022015). Collection method: clinical testing. Allele origin: germline.
Comment: This sequence change replaces glutamic acid, which is acidic and polar, with lysine, which is basic and polar, at codon 177 of the NEB protein (p.Glu177Lys). This variant is present in population databases (no rsID available, gnomAD 0.0009%). This variant has not been reported in the literature in individuals affected with NEB-related conditions. ClinVar contains an entry for this variant (Variation ID: 1371301). Algorithms developed to predict the effect of missense changes on protein structure and function are either unavailable or do not agree on the potential impact of this missense change (SIFT: "Deleterious"; PolyPhen-2: "Not Available"; Align-GVGD: "Class C0"). In summary, the available evidence is currently insufficient to determine the role of this variant in disease. Therefore, it has been classified as a Variant of Uncertain Significance.

Revvity Omics, Revvity
Classification: Uncertain significance. Last evaluated: 2021-06-01. Review status: criteria provided, single submitter. Criteria: ACMG Guidelines, 2015. Collection method: clinical testing. Allele origin: germline.

NM_001164508.2(NEB):c.529G>A (p.Glu177Lys)

Gene: NEB (nebulin; minus strand). Cytogenetic location: 2q23.3.
Variant type: single nucleotide variant.
Coding change: c.529G>A on transcript NM_001164508.2 (MANE Select); coding-DNA position 529, G replaced by A.
Protein change: p.Glu177Lys; replaces glutamic acid 177 with lysine.
Molecular consequence: missense variant.
Genome position (GRCh38, 1-based): chr2:151,724,343, C>T on the plus strand (G>A on the coding strand, the complement: NEB is on the minus strand). VCF-style: chr2-151724343-C-T. GRCh37 (hg19) VCF-style: chr2-152580857-C-T.
Other names: c.529G>A, p.Glu177Lys (NM_001164507.2, NM_001271208.2, NM_004543.5); short protein forms E177K.
Identifiers: ClinVar variation 1371301 (VCV001371301.9), dbSNP rs1403433350, ClinGen allele CA348792269.